The following is an entry in ClinVar:

NM_001332.4:c.(1761+1_1762-1)_(3084+1_3085-1)del

Gene: CTNND2 (catenin delta 2; minus strand).
Variant type: Deletion.
Other names: c.(1761+1_1762-1)_(3084+1_3085-1)del (NM_001332.4).
Identifiers: ClinVar variation 1299319 (VCV001299319.1).

ClinVar aggregate classification (germline): Pathogenic (1 of 4 stars; one submission).

Conditions:
Severe global developmental delay. Also called: Severe psychomotor retardation. Identifiers: MedGen C1837397, HP:0011344.
Delayed speech and language development. Also called: Language delay. Identifiers: MedGen C0454644, HP:0000750.

Submission:

Institute of Human Genetics, University of Leipzig Medical Center
Classification: Pathogenic for Severe global developmental delay; Delayed speech and language development. Last evaluated: 2021-09-20. Review status: criteria provided, single submitter. Criteria: ACMG Guidelines, 2015. Collection method: clinical testing. Allele origin: paternal. Affected: yes.
Comment: Deletion of Exons 11-18